The following is an entry in ClinVar:

ClinVar aggregate classification (germline): Conflicting classifications of pathogenicity. Review status: criteria provided, conflicting classifications (1 of 4 stars). 7 submissions from 7 submitters: Likely pathogenic (1); Uncertain significance (4). 2 of the submissions do not count toward it. Last evaluated 2022-11-15.

Conditions:
Multiple system atrophy 1, susceptibility to. Also called: MSA1, SUSCEPTIBILITY TO. Identifiers: MedGen C3714927, MONDO:0020715, OMIM 146500.
Coenzyme Q10 deficiency, primary, 1. Also called: UBIQUINONE DEFICIENCY 1; COENZYME Q DEFICIENCY 1; CoQ DEFICIENCY 1. Identifiers: Orphanet 255249, MedGen C3551954, MONDO:0011829, OMIM 607426.
Inborn genetic diseases. Identifiers: MedGen C0950123, MeSH D030342.
Coenzyme Q10 deficiency. Also called: Coenzyme Q10 deficiency, primary. Identifiers: Orphanet 35656, MedGen C1843920, MONDO:0018151.
Multiple system atrophy (MSA). Also called: Shy-Drager syndrome. Identifiers: Orphanet 102, MedGen C0393571, MONDO:0007803.

Allele frequency attached by ClinVar (database versions not stated): gnomAD 0.00006; TOPMed 0.00002.
gnomAD v4.1: 26 of 1,576,378 alleles (0.0016%); highest among the groups gnomAD compares: East Asian, 0.028%; no homozygotes.

Submissions (7):

Labcorp Genetics (formerly Invitae), Labcorp
Classification: Uncertain significance. Last evaluated: 2022-11-15. Review status: criteria provided, single submitter. Criteria: Invitae Variant Classification Sherloc (09022015). Collection method: clinical testing. Allele origin: germline.
Comment: In summary, the available evidence is currently insufficient to determine the role of this variant in disease. Therefore, it has been classified as a Variant of Uncertain Significance. Experimental studies have shown that this missense change affects COQ2 function (PMID: 23758206). Advanced modeling of protein sequence and biophysical properties (such as structural, functional, and spatial information, amino acid conservation, physicochemical variation, residue mobility, and thermodynamic stability) performed at Invitae indicates that this missense variant is not expected to disrupt COQ2 protein function. ClinVar contains an entry for this variant (Variation ID: 60536). This missense change has been observed in individual(s) with multiple system atrophy (PMID: 23758206). This variant is present in population databases (rs778094136, gnomAD 0.07%). This sequence change replaces methionine, which is neutral and non-polar, with valine, which is neutral and non-polar, at codon 128 of the COQ2 protein (p.Met128Val).

Women's Health and Genetics/Laboratory Corporation of America, LabCorp
Classification: Likely pathogenic for Coenzyme Q10 deficiency, primary, 1. Last evaluated: 2022-06-23. Review status: criteria provided, single submitter. Criteria: LabCorp Variant Classification Summary - May 2015. Collection method: clinical testing. Allele origin: germline.
Comment: Variant summary: COQ2 c.382A>G (p.Met128Val) results in a conservative amino acid change in the encoded protein sequence. Three of four in-silico tools predict a benign effect of the variant on protein function. The variant allele was found at a frequency of 5.2e-05 in 212966 control chromosomes (gnomAD). c.382A>G has been reported in the literature in at least two homozygous siblings affected with Multiple System Atrophy (Multiple-System Atrophy Research Collaboration_2013). These individuals were also homozygous for p.Val343Ala, which is considered a benign polymorphism (ClinVar:214217). These data indicate that the variant is likely to be associated with disease. Several publications have examined the functional impact of the variant: the variant could not rescue growth in a COQ2-null yeast strain (Multiple-System Atrophy Research Collaboration_2013); COQ2-null yeast expressing the the variant had decreased expression of other Coenzyme Q genes (COQ6, Desbats_2016); COQ2-null yeast had reduced oxygen consumption rate compared to wild-type (Yasuda_2019). Two ClinVar submitters have assessed the variant since 2014: one classified the variant as VUS, and one as pathogenic. Based on the evidence outlined above, the variant was classified as likely pathogenic.

Fulgent Genetics
Classification: Uncertain significance for Multiple system atrophy 1, susceptibility to; Coenzyme Q10 deficiency, primary, 1. Last evaluated: 2022-02-04. Review status: criteria provided, single submitter. Criteria: ACMG Guidelines, 2015. Collection method: clinical testing. Allele origin: unknown.

Ambry Genetics
Classification: Uncertain significance for Inborn genetic diseases. Last evaluated: 2021-12-23. Review status: criteria provided, single submitter. Criteria: Ambry Variant Classification Scheme 2023. Collection method: clinical testing. Allele origin: germline.

Breakthrough Genomics
Classification: Uncertain significance. Review status: criteria provided, single submitter. Criteria: ACMG Guidelines, 2015. Collection method: not provided. Allele origin: germline. Inheritance: Autosomal recessive inheritance. Affected: yes.

OMIM
Classification: risk factor for MULTIPLE SYSTEM ATROPHY 1, SUSCEPTIBILITY TO. Last evaluated: 2014-07-03. Review status: no assertion criteria provided. Collection method: literature only. Allele origin: germline. Not counted in ClinVar's aggregate classification.

GeneReviews
No classification provided. Condition: Coenzyme Q10 deficiency. Review status: no classification provided. Collection method: literature only. Allele origin: germline. Not counted in ClinVar's aggregate classification.

Literature cited by the submitters: PubMed 23758206 (cited by 4 submitters); PubMed 27493029 (cited by Women's Health and Genetics/Laboratory Corporation of America, LabCorp and Ambry Genetics); PubMed 25594503 (cited by Women's Health and Genetics/Laboratory Corporation of America, LabCorp and Ambry Genetics); PubMed 30613928 (cited by Women's Health and Genetics/Laboratory Corporation of America, LabCorp); PubMed 24988567 (cited by Ambry Genetics and OMIM); PubMed 25548529 (cited by Ambry Genetics); PubMed 17420317 (cited by OMIM); NCBI Bookshelf NBK410087 (cited by GeneReviews).

NM_001358921.2(COQ2):c.232A>G (p.Met78Val)

Genes: COQ2 (coenzyme Q2, polyprenyltransferase; minus strand), LOC112997540 (Sharpr-MPRA regulatory region 13773; plus strand). Cytogenetic location: 4q21.23.
Variant type: single nucleotide variant.
Coding change: c.232A>G on transcript NM_001358921.2 (MANE Select); coding-DNA position 232, A replaced by G.
Protein change: p.Met78Val; replaces methionine 78 with valine.
Molecular consequence: missense variant.
Genome position (GRCh38, 1-based): chr4:83,284,533, T>C on the plus strand (A>G on the coding strand, the complement: COQ2 is on the minus strand). VCF-style: chr4-83284533-T-C. GRCh37 (hg19) VCF-style: chr4-84205686-T-C.
Other names: 232A>G; c.382A>G, p.Met128Val (NM_015697.9); short protein forms M128V.
Identifiers: ClinVar variation 60536 (VCV000060536.13), dbSNP rs778094136, ClinGen allele CA213074.